The following is an entry in ClinVar:

NM_001081.4(CUBN):c.5021C>T (p.Thr1674Met)

Gene: CUBN (cubilin; minus strand). Cytogenetic location: 10p13.
Variant type: single nucleotide variant.
Coding change: c.5021C>T on transcript NM_001081.4 (MANE Select); coding-DNA position 5021, C replaced by T.
Protein change: p.Thr1674Met; replaces threonine 1674 with methionine.
Molecular consequence: missense variant.
Genome position (GRCh38, 1-based): chr10:16,950,060, G>A on the plus strand (C>T on the coding strand, the complement: CUBN is on the minus strand). VCF-style: chr10-16950060-G-A. GRCh37 (hg19) VCF-style: chr10-16992059-G-A.
Other names: c.5021C>T (NM_001081.3); short protein forms T1674M.
Identifiers: ClinVar variation 1378634 (VCV001378634.11), dbSNP rs747701083, ClinGen allele CA5424175.

ClinVar aggregate classification (germline): Uncertain significance. Review status: criteria provided, multiple submitters, no conflicts (2 of 4 stars). 4 submissions from 4 submitters: Uncertain significance (4). Last evaluated 2025-06-16.

Conditions:
Imerslund-Grasbeck syndrome. Also called: ENTEROCYTE COBALAMIN MALABSORPTION; ENTEROCYTE INTRINSIC FACTOR RECEPTOR, DEFECT OF; Megaloblastic anemia due to inborn errors of metabolism; PERNICIOUS ANEMIA, JUVENILE, DUE TO SELECTIVE INTESTINAL MALABSORPTION OF VITAMIN B12, WITH PROTEINURIA; Imerslund-Gräsbeck syndrome. Identifiers: Orphanet 35858, MedGen C4551825, MONDO:0009853.
Inborn genetic diseases. Identifiers: MedGen C0950123, MeSH D030342.

Allele frequency attached by ClinVar (database versions not stated): gnomAD 0.00001 and 0.00002; ExAC 0.00002; TOPMed 0.00003.
gnomAD v4.1: 39 of 1,613,998 alleles (0.0024%); highest among the groups gnomAD compares: Middle Eastern, 0.13%; no homozygotes.

Submissions (4):

Ambry Genetics
Classification: Uncertain significance for Inborn genetic diseases. Last evaluated: 2025-06-16. Review status: criteria provided, single submitter. Criteria: Ambry Variant Classification Scheme 2023. Collection method: clinical testing. Allele origin: germline.

Labcorp Genetics (formerly Invitae), Labcorp
Classification: Uncertain significance for Imerslund-Grasbeck syndrome. Last evaluated: 2024-10-26. Review status: criteria provided, single submitter. Criteria: Invitae Variant Classification Sherloc (09022015). Collection method: clinical testing. Allele origin: germline.
Comment: This sequence change replaces threonine, which is neutral and polar, with methionine, which is neutral and non-polar, at codon 1674 of the CUBN protein (p.Thr1674Met). This variant is present in population databases (rs747701083, gnomAD 0.005%). This variant has not been reported in the literature in individuals affected with CUBN-related conditions. ClinVar contains an entry for this variant (Variation ID: 1378634). Invitae Evidence Modeling of protein sequence and biophysical properties (such as structural, functional, and spatial information, amino acid conservation, physicochemical variation, residue mobility, and thermodynamic stability) indicates that this missense variant is not expected to disrupt CUBN protein function with a negative predictive value of 80%. Algorithms developed to predict the effect of sequence changes on RNA splicing suggest that this variant may disrupt the consensus splice site. In summary, the available evidence is currently insufficient to determine the role of this variant in disease. Therefore, it has been classified as a Variant of Uncertain Significance.

Blueprint Genetics
Classification: Uncertain significance. Last evaluated: 2023-12-22. Review status: criteria provided, single submitter. Criteria: ACMG Guidelines, 2015. Collection method: clinical testing. Allele origin: germline.

Breakthrough Genomics
Classification: Uncertain significance. Review status: criteria provided, single submitter. Criteria: ACMG Guidelines, 2015. Collection method: not provided. Allele origin: germline. Inheritance: Autosomal recessive inheritance. Affected: yes.